The following is an entry in ClinVar:

NM_173076.3(ABCA12):c.3124C>T (p.Gln1042Ter)

Gene: ABCA12 (ATP binding cassette subfamily A member 12; minus strand). Cytogenetic location: 2q35.
Variant type: single nucleotide variant.
Coding change: c.3124C>T on transcript NM_173076.3 (MANE Select); coding-DNA position 3124, C replaced by T.
Protein change: p.Gln1042Ter; replaces glutamine 1042 with a stop codon.
Molecular consequence: nonsense. On other transcripts: non-coding transcript variant (1).
Genome position (GRCh38, 1-based): chr2:215,000,760, G>A on the plus strand (C>T on the coding strand, the complement: ABCA12 is on the minus strand). VCF-style: chr2-215000760-G-A. GRCh37 (hg19) VCF-style: chr2-215865484-G-A.
Other names: c.2170C>T, p.Gln724Ter (NM_015657.4); short protein forms Q724*, Q1042*.
Identifiers: ClinVar variation 2822499 (VCV002822499.3), dbSNP rs1161550353, ClinGen allele CA350475234.
Genomic context (GRCh38, chr2:215,000,760, plus strand): 5'-CTTACTTGTCTTTCATGAAGCAGGGATAAGGAATTGCTTGAACCTGGACTGCTATTTCCT[G>A]GGAGTTCCTTCCAGTTTGCAATTCAATGATTGCTCTTTCAATACTATCCTGTAAATAAAT-3'

ClinVar aggregate classification (germline): Pathogenic (1 of 4 stars; one submission).

Submission:

Labcorp Genetics (formerly Invitae), Labcorp
Classification: Pathogenic. Last evaluated: 2022-12-20. Review status: criteria provided, single submitter. Criteria: Invitae Variant Classification Sherloc (09022015). Collection method: clinical testing. Allele origin: germline.
Comment: For these reasons, this variant has been classified as Pathogenic. This variant has not been reported in the literature in individuals affected with ABCA12-related conditions. This variant is not present in population databases (gnomAD no frequency). This sequence change creates a premature translational stop signal (p.Gln1042*) in the ABCA12 gene. It is expected to result in an absent or disrupted protein product. Loss-of-function variants in ABCA12 are known to be pathogenic (PMID: 20672373).

Literature cited by the submitters: PubMed 20672373.